The following is an entry in ClinVar:

ClinVar aggregate classification (germline): Uncertain significance. Review status: criteria provided, multiple submitters, no conflicts (2 of 4 stars). 4 submissions from 4 submitters: Uncertain significance (4). Last evaluated 2025-11-28.

Conditions:
Cardiovascular phenotype. Identifiers: MedGen CN230736.
Cardiac arrhythmia. Also called: Cardiac rhythm disease; Arrhythmia. Identifiers: MedGen C0003811, MONDO:0007263, HP:0011675.
Long QT syndrome (LQTS). Identifiers: MedGen C0023976, MeSH D008133, MONDO:0002442. Disease mechanism: loss of function. Inheritance: Various modes of inheritance.

Submissions (4):

Labcorp Genetics (formerly Invitae), Labcorp
Classification: Uncertain significance for Long QT syndrome. Last evaluated: 2025-11-28. Review status: criteria provided, single submitter. Criteria: Invitae Variant Classification Sherloc (09022015). Collection method: clinical testing. Allele origin: germline.
Comment: This variant, c.1290_1301del, results in the deletion of 4 amino acid(s) of the KCNQ1 protein (p.Val431_Gly434del), but otherwise preserves the integrity of the reading frame. This variant is not present in population databases (gnomAD no frequency). This variant has not been reported in the literature in individuals affected with KCNQ1-related conditions. ClinVar contains an entry for this variant (Variation ID: 1171351). Experimental studies and prediction algorithms are not available or were not evaluated, and the functional significance of this variant is currently unknown. In summary, the available evidence is currently insufficient to determine the role of this variant in disease. Therefore, it has been classified as a Variant of Uncertain Significance.

Ambry Genetics
Classification: Uncertain significance for Cardiovascular phenotype. Last evaluated: 2025-11-17. Review status: criteria provided, single submitter. Criteria: Ambry Variant Classification Scheme 2023. Collection method: clinical testing. Allele origin: germline.
Comment: The c.1290_1301del12 variant (also known as p.V431_G434del) is located in coding exon 10 of the KCNQ1 gene. This variant results from an in-frame GGTGACTCCTGG deletion at nucleotide positions 1290 to 1301. This results in the in-frame deletion of 4 amino acids at codon 431. This amino acid region is not well conserved in available vertebrate species. In addition, the in silico prediction for this alteration is inconclusive (Choi Y et al. PLoS ONE. 2012; 7(10):e46688). Since supporting evidence is limited at this time, the clinical significance of this alteration remains unclear.

Molecular Diagnostic Laboratory for Inherited Cardiovascular Disease, Montreal Heart Institute
Classification: Uncertain significance for Cardiovascular phenotype. Last evaluated: 2025-04-09. Review status: criteria provided, single submitter. Criteria: ACMG Guidelines, 2015. Collection method: clinical testing. Allele origin: germline. Affected: yes.
Comment: PM2, PM4, PS4_supp, BS3_supp

Color Diagnostics, LLC DBA Color Health
Classification: Uncertain significance for Cardiac arrhythmia. Last evaluated: 2024-04-25. Review status: criteria provided, single submitter. Criteria: ACMG Guidelines, 2015. Collection method: clinical testing. Allele origin: germline.
Comment: This variant causes an in-frame deletion of 4 amino acids at exon 11 of the KCNQ1 protein. To our knowledge, functional studies have not been reported for this variant. This variant has not been reported in individuals affected with KCNQ1-related disorders in the literature. This variant has not been identified in the general population by the Genome Aggregation Database (gnomAD). The available evidence is insufficient to determine the role of this variant in disease conclusively. Therefore, this variant is classified as a Variant of Uncertain Significance.

NM_000218.3(KCNQ1):c.1290_1301del (p.Val431_Gly434del)

Gene: KCNQ1 (potassium voltage-gated channel subfamily Q member 1; plus strand). Cytogenetic location: 11p15.5.
Variant type: Deletion.
Coding change: c.1290_1301del on transcript NM_000218.3 (MANE Select); coding-DNA positions 1290 to 1301, 12 bases deleted (GGTGACTCCTGG).
Protein change: p.Val431_Gly434del.
Molecular consequence: inframe deletion. On other transcripts: inframe indel (5).
Genome position (GRCh38, 1-based): chr11:2,588,751-2,588,762, GGTGACTCCTGG deleted; deleting any 12 consecutive bases within chr11:2,588,748-2,588,762 gives the same sequence; the c. name uses the placement nearest the transcript's 3' end. VCF-style (leftmost placement, unchanged base first): chr11-2588747-ATGGGGTGACTCC-A. GRCh37 (hg19) VCF-style: chr11-2609977-ATGGGGTGACTCC-A.
Other names: c.1290_1301del12 (NM_000218.2); c.1290_1301delGGTGACTCCTGG, p.Val431_Gly434del (NM_000218.2); c.1194_1205delGGTGACTCCTGG, p.Val399_Gly402del (NM_001406836.1); c.1020_1031delGGTGACTCCTGG, p.Val341_Gly344del (NM_001406837.1); c.750_761delGGTGACTCCTGG, p.Val251_Gly254del (NM_001406838.1); c.909_920delGGTGACTCCTGG, p.Val304_Gly307del (NM_181798.2).
Identifiers: ClinVar variation 1171351 (VCV001171351.12), dbSNP rs750178990, ClinGen allele CA216334676.
Genomic context (GRCh38, chr11:2,588,747, plus strand): 5'-CTAATCTGTTGTCTTGTTTTTTTTAGGTAAAGAAAAAAAAGTTCAAGCTGGACAAAGACA[ATGGGGTGACTCC>A]TGGAGAGAAGATGCTCACAGTCCCCCATATCACGTGCGACCCCCCAGAAGAGCGGCGGCT-3'